The following is an entry in ClinVar:

ClinVar aggregate classification (germline): Uncertain significance. Review status: criteria provided, multiple submitters, no conflicts (2 of 4 stars). 2 submissions from 2 submitters: Uncertain significance (2). Last evaluated 2024-10-16.

Conditions:
CEBALID syndrome (CEBALID). Also called: CRANIOFACIAL DEFECTS, DYSMORPHIC EARS, STRUCTURAL BRAIN ABNORMALITIES, EXPRESSIVE LANGUAGE DELAY, AND IMPAIRED INTELLECTUAL DEVELOPMENT; MN1 C-TERMINAL TRUNCATION SYNDROME. Identifiers: Orphanet 693549, MedGen C5394044, MONDO:0032908, OMIM 618774.

Submissions (2):

GeneDx
Classification: Uncertain significance. Last evaluated: 2024-10-16. Review status: criteria provided, single submitter. Criteria: GeneDx Variant Classification Process June 2021. Collection method: clinical testing. Allele origin: germline. Affected: yes.
Comment: Not observed at significant frequency in large population cohorts (gnomAD); In silico analysis supports that this missense variant has a deleterious effect on protein structure/function; Has not been previously published as pathogenic or benign to our knowledge

Clinical Genomics Laboratory, Stanford Medicine
Classification: Uncertain significance for CEBALID syndrome. Last evaluated: 2022-11-11. Review status: criteria provided, single submitter. Criteria: ACMG Guidelines, 2015. Collection method: clinical testing. Allele origin: germline. Observed: 1 variant allele, 1 heterozygote.
Comment: The p.Pro9Ser variant in the MN1 gene has not been previously reported in association with disease. This variant was absent from large population databases, including the Genome Aggregation Database. Computational tools predict that this variant does not impact protein function; however, the accuracy of in silico algorithms is limited. These data were assessed using the ACMG/AMP variant interpretation guidelines. In summary, the significance of the p.Pro9Ser variant is uncertain. Additional information is needed to resolve the significance of this variant. [ACMG evidence codes used: PM2; BP4]

NM_002430.3(MN1):c.25C>T (p.Pro9Ser)

Gene: MN1 (MN1 proto-oncogene, transcriptional regulator; minus strand). Cytogenetic location: 22q12.1.
Variant type: single nucleotide variant.
Coding change: c.25C>T on transcript NM_002430.3 (MANE Select); coding-DNA position 25, C replaced by T.
Protein change: p.Pro9Ser; replaces proline 9 with serine.
Molecular consequence: missense variant.
Genome position (GRCh38, 1-based): chr22:27,800,519, G>A on the plus strand (C>T on the coding strand, the complement: MN1 is on the minus strand). VCF-style: chr22-27800519-G-A. GRCh37 (hg19) VCF-style: chr22-28196507-G-A.
Other names: short protein forms P9S.
Identifiers: ClinVar variation 3781246 (VCV003781246.2).